The following is an entry in ClinVar:

NM_000179.3(MSH6):c.5C>T (p.Ser2Leu)

Gene: MSH6 (mutS homolog 6; plus strand). Cytogenetic location: 2p16.3.
Variant type: single nucleotide variant.
Coding change: c.5C>T on transcript NM_000179.3 (MANE Select); coding-DNA position 5, C replaced by T.
Protein change: p.Ser2Leu; replaces serine 2 with leucine.
Molecular consequence: missense variant. On other transcripts: 5 prime UTR variant (1).
Genome position (GRCh38, 1-based): chr2:47,783,238, C>T. VCF-style: chr2-47783238-C-T. GRCh37 (hg19) VCF-style: chr2-48010377-C-T.
Other names: c.5C>T, p.Ser2Leu (NM_001281492.2); c.-732C>T (NM_001281493.2); short protein forms S2L.
Identifiers: ClinVar variation 838014 (VCV000838014.14), dbSNP rs752887988, ClinGen allele CA073146.
Genomic context (GRCh38, chr2:47,783,238, plus strand): 5'-GCGGTGCTTTTAGGAGCTCCGTCCGACAGAACGGTTGGGCCTTGCCGGCTGTCGGTATGT[C>T]GCGACAGAGCACCCTGTACAGCTTCTTCCCCAAGTCTCCGGCGCTGAGTGATGCCAACAA-3'
Protein context (NP_000170.1, residues 1-12): M[Ser2Leu]RQSTLYSFFP

ClinVar aggregate classification (germline): Conflicting classifications of pathogenicity. Review status: criteria provided, conflicting classifications (1 of 4 stars). 4 submissions from 4 submitters: Uncertain significance (3); Benign (1). Last evaluated 2025-04-11.

Conditions:
Hereditary nonpolyposis colorectal neoplasms. Identifiers: MedGen C0009405, MeSH D003123.
Hereditary cancer-predisposing syndrome. Also called: Neoplastic Syndromes, Hereditary; Tumor predisposition; Hereditary neoplastic syndrome; Hereditary Cancer Syndrome. Identifiers: Orphanet 140162, MedGen C0027672, MeSH D009386, MONDO:0015356.
Lynch syndrome. Identifiers: Orphanet 144, MedGen C4552100, MONDO:0005835. Disease mechanism: loss of function.

Allele frequency attached by ClinVar (database versions not stated): gnomAD exomes below 0.00001 and 0.00001; ExAC 0.00001.

Submissions (4):

Ambry Genetics
Classification: Uncertain significance for Hereditary cancer-predisposing syndrome. Last evaluated: 2025-04-11. Review status: criteria provided, single submitter. Criteria: Ambry Variant Classification Scheme 2023. Collection method: clinical testing. Allele origin: germline.
Comment: The p.S2L variant (also known as c.5C>T), located in coding exon 1 of the MSH6 gene, results from a C to T substitution at nucleotide position 5. The serine at codon 2 is replaced by leucine, an amino acid with dissimilar properties. This amino acid position is well conserved in available vertebrate species. In addition, the in silico prediction for this alteration is inconclusive. Since supporting evidence is limited at this time, the clinical significance of this alteration remains unclear.

Labcorp Genetics (formerly Invitae), Labcorp
Classification: Benign for Hereditary nonpolyposis colorectal neoplasms. Last evaluated: 2023-10-30. Review status: criteria provided, single submitter. Criteria: Invitae Variant Classification Sherloc (09022015). Collection method: clinical testing. Allele origin: germline.

All of Us Research Program, National Institutes of Health
Classification: Uncertain significance for Lynch syndrome. Last evaluated: 2023-08-23. Review status: criteria provided, single submitter. Criteria: ACMG Guidelines, 2015. Collection method: clinical testing. Allele origin: germline. Inheritance: Autosomal dominant inheritance. Observed: 1 variant allele, 1 heterozygote.
Comment: This missense variant replaces serine with leucine at codon 2 of the MSH6 protein. Computational prediction is inconclusive regarding the impact of this variant on protein structure and function (internally defined REVEL score threshold 0.5 < inconclusive < 0.7, PMID: 27666373). To our knowledge, functional studies have not been reported for this variant. This variant has not been reported in individuals affected with MSH6-related disorders in the literature. This variant has been identified in 2/244348 chromosomes in the general population by the Genome Aggregation Database (gnomAD). The available evidence is insufficient to determine the role of this variant in disease conclusively. Therefore, this variant is classified as a Variant of Uncertain Significance.

This study involves interpretation of variants in research participants for the purpose of population health screening. Participant phenotype was not available at the time of variant classification. Additional details can be found in publication PMID: 35346344, PMCID: PMC8962531

Color Diagnostics, LLC DBA Color Health
Classification: Uncertain significance for Hereditary cancer-predisposing syndrome. Last evaluated: 2023-08-09. Review status: criteria provided, single submitter. Criteria: ACMG Guidelines, 2015. Collection method: clinical testing. Allele origin: germline.
Comment: This missense variant replaces serine with leucine at codon 2 of the MSH6 protein. Computational prediction is inconclusive regarding the impact of this variant on protein structure and function. To our knowledge, functional studies have not been reported for this variant. This variant has not been reported in individuals affected with MSH6-related disorders in the literature. This variant has been identified in 2/244348 chromosomes in the general population by the Genome Aggregation Database (gnomAD). The available evidence is insufficient to determine the role of this variant in disease conclusively. Therefore, this variant is classified as a Variant of Uncertain Significance.